The following is an entry in ClinVar:

ClinVar aggregate classification (germline): Pathogenic (1 of 4 stars; one submission).

Submission:

Labcorp Genetics (formerly Invitae), Labcorp
Classification: Pathogenic. Last evaluated: 2024-05-01. Review status: criteria provided, single submitter. Criteria: Invitae Variant Classification Sherloc (09022015). Collection method: clinical testing. Allele origin: germline.
Comment: This sequence change creates a premature translational stop signal (p.Glu477*) in the LPIN1 gene. It is expected to result in an absent or disrupted protein product. Loss-of-function variants in LPIN1 are known to be pathogenic (PMID: 18817903, 20583302, 22481384, 26111941). This variant is not present in population databases (gnomAD no frequency). This premature translational stop signal has been observed in individual(s) with LPIN1-related conditions (PMID: 22481384, 32549891). This variant is also known as c.1684G>T, p.Glu562*. For these reasons, this variant has been classified as Pathogenic.

Literature cited by the submitters: PubMed 18817903; PubMed 20583302; PubMed 22481384; PubMed 26111941; PubMed 32549891.

NM_001349206.2(LPIN1):c.1537G>T (p.Glu513Ter)

Gene: LPIN1 (lipin 1; plus strand). Cytogenetic location: 2p25.1.
Variant type: single nucleotide variant.
Coding change: c.1537G>T on transcript NM_001349206.2 (MANE Select); coding-DNA position 1537, G replaced by T.
Protein change: p.Glu513Ter; replaces glutamic acid 513 with a stop codon.
Molecular consequence: nonsense. On other transcripts: non-coding transcript variant (1).
Genome position (GRCh38, 1-based): chr2:11,785,064, G>T. VCF-style: chr2-11785064-G-T. GRCh37 (hg19) VCF-style: chr2-11925190-G-T.
Other names: c.1429G>T, p.Glu477Ter (NM_001349201.2, NM_145693.4, NM_001349199.2 and 1 more transcripts); c.1534G>T, p.Glu512Ter (NM_001349202.2, NM_001349203.2); c.1537G>T, p.Glu513Ter (NM_001349204.2, NM_001349205.2); c.1627G>T, p.Glu543Ter (NM_001349207.2); c.1576G>T, p.Glu526Ter (NM_001349208.2); c.1447G>T, p.Glu483Ter (NM_001261427.3); c.1684G>T, p.Glu562Ter (NM_001261428.3); short protein forms E477*, E512*, E513*, E562*, E526*, E543*, E483*.
Identifiers: ClinVar variation 3720300 (VCV003720300.2).